The following is an entry in ClinVar:

ClinVar aggregate classification (germline): Benign. Review status: criteria provided, multiple submitters, no conflicts (2 of 4 stars). 6 submissions from 6 submitters: Benign (6). Last evaluated 2026-01-02.

Allele frequency attached by ClinVar (database versions not stated): ESP Exome Variant Server 0.00038; gnomAD 0.00185; TOPMed 0.00337; 1000 Genomes Project 30x 0.00562; 1000 Genomes Project 0.00659.
gnomAD v4.1: 1,773 of 1,613,936 alleles (0.11%); highest among the groups gnomAD compares: East Asian, 3.4%; 23 homozygotes.

Submissions (6):

Labcorp Genetics (formerly Invitae), Labcorp
Classification: Benign. Last evaluated: 2026-01-02. Review status: criteria provided, single submitter. Criteria: Invitae Variant Classification Sherloc (09022015). Collection method: clinical testing. Allele origin: germline.

ARUP Laboratories, Molecular Genetics and Genomics, ARUP Laboratories
Classification: Benign. Last evaluated: 2024-04-19. Review status: criteria provided, single submitter. Criteria: ARUP Molecular Germline Variant Investigation Process 2024. Collection method: clinical testing. Allele origin: germline.

GeneDx
Classification: Benign. Last evaluated: 2018-03-13. Review status: criteria provided, single submitter. Criteria: GeneDx Variant Classification (06012015). Collection method: clinical testing. Allele origin: germline. Affected: yes.
Comment: This variant is considered likely benign or benign based on one or more of the following criteria: it is a conservative change, it occurs at a poorly conserved position in the protein, it is predicted to be benign by multiple in silico algorithms, and/or has population frequency not consistent with disease.

Mayo Clinic Laboratories, Mayo Clinic
Classification: Benign. Last evaluated: 2016-11-17. Review status: criteria provided, single submitter. Criteria: ACMG Guidelines, 2015. Collection method: clinical testing. Allele origin: germline. Observed: 3 variant alleles.

Laboratory for Molecular Medicine, Mass General Brigham Personalized Medicine
Classification: Benign. Last evaluated: 2014-11-24. Review status: criteria provided, single submitter. Criteria: LMM Criteria. Collection method: clinical testing. Allele origin: germline. Observed: 3 variant alleles.
Comment: Asn85Ser in exon 3 of KARS: This variant is not expected to have clinical signif icance because it has been identified in 6.2% (11/178) of Japanese chromosomes f rom a broad population by the 1000 Genomes Project (projects/SNP; dbSNP rs117041419).

Breakthrough Genomics
Classification: Benign. Review status: criteria provided, single submitter. Criteria: ACMG Guidelines, 2015. Collection method: not provided. Allele origin: germline. Inheritance: Autosomal recessive inheritance. Affected: yes.

NM_005548.3(KARS1):c.170A>G (p.Asn57Ser)

Gene: KARS1 (lysyl-tRNA synthetase 1; minus strand). Cytogenetic location: 16q23.1.
Variant type: single nucleotide variant.
Coding change: c.170A>G on transcript NM_005548.3 (MANE Select); coding-DNA position 170, A replaced by G.
Protein change: p.Asn57Ser; replaces asparagine 57 with serine.
Molecular consequence: missense variant. On other transcripts: 5 prime UTR variant (1).
Genome position (GRCh38, 1-based): chr16:75,641,616, T>C on the plus strand (A>G on the coding strand, the complement: KARS1 is on the minus strand). VCF-style: chr16-75641616-T-C. GRCh37 (hg19) VCF-style: chr16-75675514-T-C.
Other names: c.254A>G, p.Asn85Ser (NM_001130089.2); c.-299A>G (NM_001378148.1); short protein forms N85S, N57S.
Identifiers: ClinVar variation 226683 (VCV000226683.20), dbSNP rs117041419, ClinGen allele CA8177729.